The following is an entry in ClinVar:

NM_020381.4(PDSS2):c.1042-237A>G

Gene: PDSS2 (decaprenyl diphosphate synthase subunit 2; minus strand). Cytogenetic location: 6q21.
Variant type: single nucleotide variant.
Coding change: c.1042-237A>G on transcript NM_020381.4 (MANE Select); 237 bases into the intron before coding-DNA position 1042, A replaced by G.
Molecular consequence: intron variant.
Genome position (GRCh38, 1-based): chr6:107,155,014, T>C on the plus strand (A>G on the coding strand, the complement: PDSS2 is on the minus strand). VCF-style: chr6-107155014-T-C. GRCh37 (hg19) VCF-style: chr6-107476218-T-C.
Identifiers: ClinVar variation 671542 (VCV000671542.1), dbSNP rs9373922, ClinGen allele CA145592814.

ClinVar aggregate classification (germline): Benign (1 of 4 stars; one submission).

Allele frequency attached by ClinVar (database versions not stated): gnomAD 0.06782 and 0.06935; TOPMed 0.07642; 1000 Genomes Project 30x 0.10493; 1000 Genomes Project 0.10523.
gnomAD v4.1: 10,226 of 152,198 alleles (6.7%); highest among the groups gnomAD compares: African/African-American, 20%; 948 homozygotes.

Submission:

GeneDx
Classification: Benign. Last evaluated: 2018-06-16. Review status: criteria provided, single submitter. Criteria: GeneDx Variant Classification (06012015). Collection method: clinical testing. Allele origin: germline. Affected: yes.
Comment: This variant is considered likely benign or benign based on one or more of the following criteria: it is a conservative change, it occurs at a poorly conserved position in the protein, it is predicted to be benign by multiple in silico algorithms, and/or has population frequency not consistent with disease.